The following is an entry in ClinVar:

NM_144997.7(FLCN):c.1433-2A>C

Gene: FLCN (folliculin; minus strand). Cytogenetic location: 17p11.2.
Variant type: single nucleotide variant.
Coding change: c.1433-2A>C on transcript NM_144997.7 (MANE Select); the canonical splice acceptor site of the intron before coding-DNA position 1433, A replaced by C.
Molecular consequence: splice acceptor variant.
Genome position (GRCh38, 1-based): chr17:17,215,092, T>G on the plus strand (A>C on the coding strand, the complement: FLCN is on the minus strand). VCF-style: chr17-17215092-T-G. GRCh37 (hg19) VCF-style: chr17-17118406-T-G.
Other names: c.1433-2A>C (NM_001353231.2, NM_001353230.2); c.1487-2A>C (NM_001353229.2).
Identifiers: ClinVar variation 1068112 (VCV001068112.5), dbSNP rs398124528, ClinGen allele CA398531039.

ClinVar aggregate classification (germline): Likely pathogenic (1 of 4 stars; one submission).

Conditions:
Birt-Hogg-Dube syndrome. Also called: Birt Hogg Dubé syndrome. Identifiers: Orphanet 122, MedGen C0346010, MONDO:0800444.

Submission:

Labcorp Genetics (formerly Invitae), Labcorp
Classification: Likely pathogenic for Birt-Hogg-Dube syndrome. Last evaluated: 2023-07-07. Review status: criteria provided, single submitter. Criteria: Invitae Variant Classification Sherloc (09022015). Collection method: clinical testing. Allele origin: germline.
Comment: This sequence change affects an acceptor splice site in intron 12 of the FLCN gene. It is expected to disrupt RNA splicing. Variants that disrupt the donor or acceptor splice site typically lead to a loss of protein function (PMID: 16199547), and loss-of-function variants in FLCN are known to be pathogenic (PMID: 15852235). This variant is not present in population databases (gnomAD no frequency). Disruption of this splice site has been observed in individual(s) with clinical features of FLCN-related conditions (PMID: 20413710). ClinVar contains an entry for this variant (Variation ID: 1068112). Algorithms developed to predict the effect of sequence changes on RNA splicing suggest that this variant may disrupt the consensus splice site. In summary, the currently available evidence indicates that the variant is pathogenic, but additional data are needed to prove that conclusively. Therefore, this variant has been classified as Likely Pathogenic.

Literature cited by the submitters: PubMed 16199547; PubMed 15852235; PubMed 20413710.